The following is an entry in ClinVar:

NM_004999.4(MYO6):c.737A>G (p.His246Arg)

Gene: MYO6 (myosin VI; plus strand). Cytogenetic location: 6q14.1.
Variant type: single nucleotide variant.
Coding change: c.737A>G on transcript NM_004999.4 (MANE Select); coding-DNA position 737, A replaced by G.
Protein change: p.His246Arg; replaces histidine 246 with arginine.
Molecular consequence: missense variant. On other transcripts: non-coding transcript variant (2).
Genome position (GRCh38, 1-based): chr6:75,841,299, A>G. VCF-style: chr6-75841299-A-G. GRCh37 (hg19) VCF-style: chr6-76551016-A-G.
Other names: c.737A>G, p.His246Arg (NM_001300899.2, NM_001368136.1, NM_001368137.1 and 4 more transcripts); c.722A>G, p.His241Arg (NM_001368138.1); short protein forms H246R, H241R.
Identifiers: ClinVar variation 8581 (VCV000008581.18), dbSNP rs121912560, ClinGen allele CA119764.

ClinVar aggregate classification (germline): Pathogenic/Likely pathogenic. Review status: criteria provided, multiple submitters, no conflicts (2 of 4 stars). 7 submissions from 7 submitters: Pathogenic (1); Likely pathogenic (5). 1 of the submissions does not count toward it. Last evaluated 2025-10-20.

Conditions:
MYO6-related disorder. Also called: MYO6-related condition; MYO6-related disorders.
Progressive sensorineural hearing loss-hypertrophic cardiomyopathy syndrome. Also called: Deafness with hypertrophic cardiomyopathy, autosomal dominant, type 22. Identifiers: Orphanet 228012, MedGen C4304831, MONDO:0016424.
Monogenic hearing loss.
Rare genetic deafness. Identifiers: Orphanet 96210, MedGen C5680250.

Allele frequency attached by ClinVar (database versions not stated): gnomAD exomes below 0.00001 and 0.00003; TOPMed 0.00001.
gnomAD v4.1: 46 of 1,614,006 alleles (0.0029%); highest among the groups gnomAD compares: Non-Finnish European, 0.0037%; no homozygotes.

Submissions (7):

North West Genomic Laboratory Hub, Manchester University NHS Foundation Trust
Classification: Likely pathogenic for Monogenic hearing loss. Last evaluated: 2025-10-20. Review status: criteria provided, single submitter. Criteria: ACGS Best Practice Guidelines for Variant Classification in Rare Disease 2024. Collection method: clinical testing. Allele origin: germline. Affected: yes.
Comment: PM2_Supp PP3_Supp PS4_Mod PP1_Str

PreventionGenetics, part of Exact Sciences
Classification: Likely pathogenic for MYO6-related condition. Last evaluated: 2025-09-12. Review status: criteria provided, single submitter. Criteria: ACMG Guidelines, 2015. Collection method: clinical testing. Allele origin: germline.
Comment: The MYO6 c.737A>G variant is predicted to result in the amino acid substitution p.His246Arg. This variant was reported to segregate with autosomal dominant familial hypertrophic cardiomyopathy and/or sensorineural hearing loss in a single large family with 11 affected and 9 unaffected individuals (Mohiddin et al. 2004. PubMed ID: 15060111). This variant is reported in 0.0033% of alleles in individuals of South Asian descent in gnomAD. This variant is interpreted as likely pathogenic.

Labcorp Genetics (formerly Invitae), Labcorp
Classification: Pathogenic. Last evaluated: 2025-07-21. Review status: criteria provided, single submitter. Criteria: Invitae Variant Classification Sherloc (09022015). Collection method: clinical testing. Allele origin: germline.
Comment: This sequence change replaces histidine, which is basic and polar, with arginine, which is basic and polar, at codon 246 of the MYO6 protein (p.His246Arg). This variant is present in population databases (rs121912560, gnomAD 0.003%). This missense change has been observed in individual(s) with autosomal dominant deafness (PMID: 15060111). It has also been observed to segregate with disease in related individuals. ClinVar contains an entry for this variant (Variation ID: 8581). Invitae Evidence Modeling of protein sequence and biophysical properties (such as structural, functional, and spatial information, amino acid conservation, physicochemical variation, residue mobility, and thermodynamic stability) indicates that this missense variant is expected to disrupt MYO6 protein function with a positive predictive value of 80%. For these reasons, this variant has been classified as Pathogenic.

GeneDx
Classification: Likely pathogenic. Last evaluated: 2025-05-29. Review status: criteria provided, single submitter. Criteria: GeneDx Variant Classification Process June 2021. Collection method: clinical testing. Allele origin: germline. Affected: yes.
Comment: Not observed at significant frequency in large population cohorts (gnomAD); In silico analysis supports that this missense variant has a deleterious effect on protein structure/function; This variant is associated with the following publications: (PMID: 18212818, 18348273, 29044474, 29224747, 34662886, 15060111, 36788145)

Blueprint Genetics
Classification: Likely pathogenic for MYO6-related disorders. Last evaluated: 2023-01-03. Review status: criteria provided, single submitter. Criteria: ACMG Guidelines, 2015. Collection method: clinical testing. Allele origin: germline. Affected: yes. Observed: 3 variant alleles.

Laboratory for Molecular Medicine, Mass General Brigham Personalized Medicine
Classification: Likely pathogenic for Rare genetic deafness. Last evaluated: 2015-07-30. Review status: criteria provided, single submitter. Criteria: LMM Criteria. Collection method: clinical testing. Allele origin: germline. Inheritance: Autosomal dominant inheritance. Observed: 3 variant alleles.
Comment: The p.His246Arg variant in MYO6 has been reported in one individual with progres sive, post-lingual sensorineural hearing loss and left ventricular hypertrophy ( LVH), and it segregated with hearing loss in 9 affected relatives (Mohiddin 2004 ). Alternat ively, of the 11 family members that carried the p.His246Arg variant, only 4 ind ividuals presented with cardiac hypertrophy, while another 3 family members were reported to have an abnormal ECG. While this could also indicate reduced penetr ance of LVH, given that no other variant in the MYO6 gene has been associated wi th cardiac hypertrophy, it is possible that the LVH in the family is caused by a n unrelated etiology. Of note, one family member who did not carry the variant a nd did not have sensorineural hearing loss was reported to have LVH which indica tes that this MYO6 variant does not segregate with that manifestation; however, the authors attributed this individual's cardiac features to valvar and ischaemi c disease. The variant was absent in population databases. In summary, although additional studies are required to fully establish its clinical significance, th is variant is likely pathogenic.

OMIM
Classification: Pathogenic for DEAFNESS, AUTOSOMAL DOMINANT 22, WITH HYPERTROPHIC CARDIOMYOPATHY. Last evaluated: 2004-04-01. Review status: no assertion criteria provided. Collection method: literature only. Allele origin: germline. Not counted in ClinVar's aggregate classification.

Literature cited by the submitters: PubMed 15060111 (cited by 3 submitters); PubMed 18348273 (cited by Laboratory for Molecular Medicine, Mass General Brigham Personalized Medicine); PubMed 18212818 (cited by Laboratory for Molecular Medicine, Mass General Brigham Personalized Medicine).